The following is an entry in ClinVar:

NM_000143.4(FH):c.121G>A (p.Ala41Thr)

Gene: FH (fumarate hydratase; minus strand). Cytogenetic location: 1q43.
Variant type: single nucleotide variant.
Coding change: c.121G>A on transcript NM_000143.4 (MANE Select); coding-DNA position 121, G replaced by A.
Protein change: p.Ala41Thr; replaces alanine 41 with threonine.
Molecular consequence: missense variant.
Genome position (GRCh38, 1-based): chr1:241,519,602, C>T on the plus strand (G>A on the coding strand, the complement: FH is on the minus strand). VCF-style: chr1-241519602-C-T. GRCh37 (hg19) VCF-style: chr1-241682902-C-T.
Other names: short protein forms A41T.
Identifiers: ClinVar variation 1752789 (VCV001752789.2), dbSNP rs2147926842, ClinGen allele CA345442643.

ClinVar aggregate classification (germline): Uncertain significance (1 of 4 stars; one submission).

Conditions:
Hereditary cancer-predisposing syndrome. Also called: Neoplastic Syndromes, Hereditary; Tumor predisposition; Hereditary Cancer Syndrome; Hereditary neoplastic syndrome. Identifiers: Orphanet 140162, MedGen C0027672, MeSH D009386, MONDO:0015356.

Allele frequency attached by ClinVar (database versions not stated): gnomAD exomes below 0.00001.

Submission:

Ambry Genetics
Classification: Uncertain significance for Hereditary cancer-predisposing syndrome. Last evaluated: 2022-08-08. Review status: criteria provided, single submitter. Criteria: Ambry Variant Classification Scheme 2023. Collection method: clinical testing. Allele origin: germline.
Comment: The p.A41T variant (also known as c.121G>A), located in coding exon 1 of the FH gene, results from a G to A substitution at nucleotide position 121. The alanine at codon 41 is replaced by threonine, an amino acid with similar properties. This amino acid position is not well conserved in available vertebrate species. In addition, the in silico prediction for this alteration is inconclusive. Since supporting evidence is limited at this time, the clinical significance of this alteration remains unclear.